The following is an entry in ClinVar:

ClinVar aggregate classification (germline): Likely benign. Review status: criteria provided, single submitter (1 of 4 stars). 2 submissions from 2 submitters: Likely benign (1). 1 of the submissions does not count toward it. Last evaluated 2025-09-04.

Conditions:
PEX11B-related disorder. Also called: PEX11B-related condition.

Allele frequency attached by ClinVar (database versions not stated): gnomAD exomes below 0.00001.

Submissions (2):

Labcorp Genetics (formerly Invitae), Labcorp
Classification: Likely benign. Last evaluated: 2025-09-04. Review status: criteria provided, single submitter. Criteria: Invitae Variant Classification Sherloc (09022015). Collection method: clinical testing. Allele origin: germline.

PreventionGenetics, part of Exact Sciences
Classification: Likely benign for PEX11B-related condition. Last evaluated: 2024-03-23. Review status: no assertion criteria provided. Collection method: clinical testing. Allele origin: germline. Not counted in ClinVar's aggregate classification.
Comment: This variant is classified as likely benign based on ACMG/AMP sequence variant interpretation guidelines (Richards et al. 2015 PMID: 25741868, with internal and published modifications).

NM_003846.3(PEX11B):c.582C>G (p.Val194=)

Gene: PEX11B (peroxisomal biogenesis factor 11 beta; minus strand). Cytogenetic location: 1q21.1.
Variant type: single nucleotide variant.
Coding change: c.582C>G on transcript NM_003846.3 (MANE Select); coding-DNA position 582, C replaced by G.
Protein change: p.Val194=; no amino-acid change (valine 194 retained).
Molecular consequence: synonymous variant. On other transcripts: non-coding transcript variant (3).
Genome position (GRCh38, 1-based): chr1:145,912,359, G>C on the plus strand (C>G on the coding strand, the complement: PEX11B is on the minus strand). VCF-style: chr1-145912359-G-C. GRCh37 (hg19) VCF-style: chr1-145522721-C-G.
Other names: c.540C>G, p.Val180= (NM_001184795.1); c.582C>G (NM_003846.2).
Identifiers: ClinVar variation 1159764 (VCV001159764.10), dbSNP rs2101856089, ClinGen allele CA420600798.
Genomic context (GRCh38, chr1:145,912,359, plus strand): 5'-ATTTCTGACCACGTCTAGCAGAAGTGGGGGATGACCTCTAAGGACTCGAGCCAGGAGCAG[G>C]ACTTGCAGCCGAAGTTTCAGAGCCAGTTGGGGCAGACCTCCTCCTGGAGTCCCTGGTCCC-3'
Protein context (NP_003837.1, residues 184-204): PQLALKLRLQ[Val194=]LLLARVLRGH